The following is an entry in ClinVar:

ClinVar aggregate classification (germline): Benign. Review status: criteria provided, multiple submitters, no conflicts (2 of 4 stars). 5 submissions from 5 submitters: Benign (4). 1 of the submissions does not count toward it. Last evaluated 2021-09-10.

Conditions:
TMEM165-congenital disorder of glycosylation. Also called: CDG IIk; Congenital disorder of glycosylation type 2k; TMEM165-CDG. Identifiers: Orphanet 314667, MedGen C3553571, MONDO:0013870, OMIM 614727.
TMEM165-related disorder. Also called: TMEM165-related condition.

Allele frequency attached by ClinVar (database versions not stated): ESP Exome Variant Server 0.26315; gnomAD 0.29449 and 0.30266; TOPMed 0.30459; gnomAD exomes 0.32911 and 0.37317; 1000 Genomes Project 30x 0.34994; 1000 Genomes Project 0.35543; ExAC 0.36414.

Submissions (5):

Genome-Nilou Lab
Classification: Benign for TMEM165-congenital disorder of glycosylation. Last evaluated: 2021-09-10. Review status: criteria provided, single submitter. Criteria: ACMG Guidelines, 2015. Collection method: clinical testing. Allele origin: germline. Affected: no.

Mendelics
Classification: Benign for TMEM165-congenital disorder of glycosylation. Last evaluated: 2019-05-28. Review status: criteria provided, single submitter. Criteria: Mendelics Assertion Criteria 2017. Collection method: clinical testing. Allele origin: unknown.

Mayo Clinic Laboratories, Mayo Clinic
Classification: Benign. Last evaluated: 2018-11-26. Review status: criteria provided, single submitter. Criteria: ACMG Guidelines, 2015. Collection method: clinical testing. Allele origin: germline. Observed: 23 variant alleles.

GeneDx
Classification: Benign. Last evaluated: 2018-06-11. Review status: criteria provided, single submitter. Criteria: GeneDx Variant Classification Process June 2021. Collection method: clinical testing. Allele origin: germline. Affected: yes.

PreventionGenetics, part of Exact Sciences
Classification: Benign for TMEM165-related condition. Last evaluated: 2019-05-02. Review status: no assertion criteria provided. Collection method: clinical testing. Allele origin: germline. Not counted in ClinVar's aggregate classification.
Comment: This variant is classified as benign based on ACMG/AMP sequence variant interpretation guidelines (Richards et al. 2015 PMID: 25741868, with internal and published modifications).

NM_018475.5(TMEM165):c.*2_*3del

Gene: TMEM165 (transmembrane protein 165; plus strand). Cytogenetic location: 4q12.
Variant type: Deletion.
Coding change: c.*2_*3del on transcript NM_018475.5 (MANE Select); 2 bases downstream of the stop codon through 3 bases downstream of the stop codon, 2 bases deleted (AA; older notation c.*2_*3delAA).
Molecular consequence: 3 prime UTR variant. On other transcripts: non-coding transcript variant (1).
Genome position (GRCh38, 1-based): chr4:55,425,454-55,425,455, AA deleted. VCF-style (leftmost placement, unchanged base first): chr4-55425453-CAA-C. GRCh37 (hg19) VCF-style: chr4-56291620-CAA-C.
Identifiers: ClinVar variation 349069 (VCV000349069.14), dbSNP rs35154686, ClinGen allele CA2925640.
Genomic context (GRCh38, chr4:55,425,453, plus strand): 5'-ATCGTTTTTTTGGCGTTTGCATTTTCTGCACTATTTATAAGCCCTGATTCTGGTTTTTAA[CAA>C]GCTGTTTGTTCATCTATATTTAGTTTAAAATAGGTAGTATTATCTTTCTGTACATAGTGT-3'